The following is an entry in ClinVar:

ClinVar aggregate classification (germline): Pathogenic/Likely pathogenic. Review status: criteria provided, multiple submitters, no conflicts (2 of 4 stars). 2 submissions from 2 submitters: Pathogenic (1); Likely pathogenic (1). Last evaluated 2025-02-06.

Conditions:
Spastic paraplegia. Identifiers: MedGen C0037772, HP:0001258.
L1CAM-related disorder. Also called: L1CAM-related condition.

Submissions (2):

PreventionGenetics, part of Exact Sciences
Classification: Likely pathogenic for L1CAM-related condition. Last evaluated: 2025-02-06. Review status: criteria provided, single submitter. Criteria: ACMG Guidelines, 2015. Collection method: clinical testing. Allele origin: germline.
Comment: The L1CAM c.791G>T variant is predicted to result in the amino acid substitution p.Cys264Phe. To our knowledge, this variant has not been reported in the literature or in a large population database (gnomAD), indicating this variant is rare. An alternate nucleotide change affecting the same amino acid (p.Cys264Tyr) has been reported in a family with congenital hydrocephalus (Jouet et al. 1993. PubMed ID: 8401576) and in vitro functional studies and in vivo mouse models of p.Cys264Tyr demonstrate decreased or absent cell surface expression and function (Rünker et al. 2003. PubMed ID: 12514225). This variant is interpreted as likely pathogenic.

Labcorp Genetics (formerly Invitae), Labcorp
Classification: Pathogenic for Spastic paraplegia. Last evaluated: 2021-08-02. Review status: criteria provided, single submitter. Criteria: Invitae Variant Classification Sherloc (09022015). Collection method: clinical testing. Allele origin: germline.
Comment: This sequence change replaces cysteine with phenylalanine at codon 264 of the L1CAM protein (p.Cys264Phe). The cysteine residue is highly conserved and there is a large physicochemical difference between cysteine and phenylalanine. This variant is not present in population databases (ExAC no frequency). This variant has been observed in individual(s) with clinical features of L1CAM-related conditions (Invitae). In at least one individual the variant was observed to be de novo. Advanced modeling of protein sequence and biophysical properties (such as structural, functional, and spatial information, amino acid conservation, physicochemical variation, residue mobility, and thermodynamic stability) performed at Invitae indicates that this missense variant is expected to disrupt L1CAM protein function. This variant disrupts the p.Cys264 amino acid residue in L1CAM. Other variant(s) that disrupt this residue have been determined to be pathogenic (PMID: 8401576, 12514225). This suggests that this residue is clinically significant, and that variants that disrupt this residue are likely to be disease-causing. For these reasons, this variant has been classified as Pathogenic.

Literature cited by the submitters: PubMed 8401576 (cited by Labcorp Genetics (formerly Invitae), Labcorp); PubMed 12514225 (cited by Labcorp Genetics (formerly Invitae), Labcorp).

NM_001278116.2(L1CAM):c.791G>T (p.Cys264Phe)

Gene: L1CAM (L1 cell adhesion molecule; minus strand). Cytogenetic location: Xq28.
Variant type: single nucleotide variant.
Coding change: c.791G>T on transcript NM_001278116.2 (MANE Select); coding-DNA position 791, G replaced by T.
Protein change: p.Cys264Phe; replaces cysteine 264 with phenylalanine.
Molecular consequence: missense variant.
Genome position (GRCh38, 1-based): chrX:153,870,403, C>A on the plus strand (G>T on the coding strand, the complement: L1CAM is on the minus strand). VCF-style: chrX-153870403-C-A. GRCh37 (hg19) VCF-style: chrX-153135858-C-A.
Other names: c.791G>T, p.Cys264Phe (NM_000425.5, NM_024003.3); c.776G>T, p.Cys259Phe (NM_001143963.2); c.791G>T (NM_000425.4); short protein forms C259F, C264F.
Identifiers: ClinVar variation 1379028 (VCV001379028.9), dbSNP rs137852518, ClinGen allele CA415132966.
Genomic context (GRCh38, chrX:153,870,403, plus strand): 5'-CGCCACCCTGCCCTGCCCTGCCCTGCCCTGGGTTCCCAGACTCACAAGCCCTCGGCGATG[C>A]ACTCCAGGACCAATGGCTGCCCCTGCAAGGCCACCAGGTGGCTGCTGGAGTTGGTGGGGA-3'
Protein context (NP_001265045.1, residues 254-274): ALQGQPLVLE[Cys264Phe]IAEGFPTPTI